The following is an entry in ClinVar:

ClinVar aggregate classification (germline): Uncertain significance (1 of 4 stars; one submission).

Submission:

Labcorp Genetics (formerly Invitae), Labcorp
Classification: Uncertain significance. Last evaluated: 2024-12-07. Review status: criteria provided, single submitter. Criteria: Invitae Variant Classification Sherloc (09022015). Collection method: clinical testing. Allele origin: germline.
Comment: This sequence change creates a premature translational stop signal (p.Glu102*) in the APOA5 gene. While this is not anticipated to result in nonsense mediated decay, it is expected to disrupt the last 265 amino acid(s) of the APOA5 protein. This variant is not present in population databases (gnomAD no frequency). This variant has not been reported in the literature in individuals affected with APOA5-related conditions. In summary, the available evidence is currently insufficient to determine the role of this variant in disease. Therefore, it has been classified as a Variant of Uncertain Significance.

NM_001371904.1(APOA5):c.304G>T (p.Glu102Ter)

Gene: APOA5 (apolipoprotein A5; minus strand). Cytogenetic location: 11q23.3.
Variant type: single nucleotide variant.
Coding change: c.304G>T on transcript NM_001371904.1 (MANE Select); coding-DNA position 304, G replaced by T.
Protein change: p.Glu102Ter; replaces glutamic acid 102 with a stop codon.
Molecular consequence: nonsense.
Genome position (GRCh38, 1-based): chr11:116,790,925, C>A on the plus strand (G>T on the coding strand, the complement: APOA5 is on the minus strand). VCF-style: chr11-116790925-C-A. GRCh37 (hg19) VCF-style: chr11-116661641-C-A.
Other names: c.304G>T, p.Glu102Ter (NM_001166598.2, NM_052968.5); short protein forms E102*.
Identifiers: ClinVar variation 3726794 (VCV003726794.2).